The following is an entry in ClinVar:

ClinVar aggregate classification (germline): Pathogenic (0 of 4 stars; one submission).

Submission:

GenMed Metabolism Lab
Classification: Pathogenic. Review status: no assertion criteria provided. Collection method: not provided. Allele origin: unknown.
ClinVar note: Converted during submission from pathogenic to Pathogenic.

NM_000531.6(OTC):c.94C>T (p.Gln32Ter)

Gene: OTC (ornithine transcarbamylase; plus strand). Cytogenetic location: Xp11.4.
Variant type: single nucleotide variant.
Coding change: c.94C>T on transcript NM_000531.6 (MANE Select); coding-DNA position 94, C replaced by T.
Protein change: p.Gln32Ter; replaces glutamine 32 with a stop codon.
Molecular consequence: nonsense.
Genome position (GRCh38, 1-based): chrX:38,367,307, C>T. VCF-style: chrX-38367307-C-T. GRCh37 (hg19) VCF-style: chrX-38226560-C-T.
Other names: short protein forms Q32*.
Identifiers: ClinVar variation 97369 (VCV000097369.2), dbSNP rs72554304, ClinGen allele CA224854.